The following is an entry in ClinVar:

NM_019594.4(LRRC8A):c.2223C>T (p.Asn741=)

Gene: LRRC8A (leucine rich repeat containing 8 VRAC subunit A; plus strand). Cytogenetic location: 9q34.11.
Variant type: single nucleotide variant.
Coding change: c.2223C>T on transcript NM_019594.4 (MANE Select); coding-DNA position 2223, C replaced by T.
Protein change: p.Asn741=; no amino-acid change (asparagine 741 retained).
Molecular consequence: synonymous variant.
Genome position (GRCh38, 1-based): chr9:128,916,161, C>T. VCF-style: chr9-128916161-C-T. GRCh37 (hg19) VCF-style: chr9-131678440-C-T.
Other names: c.2223C>T, p.Asn741= (NM_001127244.2, NM_001127245.2).
Identifiers: ClinVar variation 734742 (VCV000734742.35), dbSNP rs139178076, ClinGen allele CA5271043.

ClinVar aggregate classification (germline): Likely benign. Review status: criteria provided, multiple submitters, no conflicts (2 of 4 stars). 4 submissions from 4 submitters: Likely benign (4). Last evaluated 2026-01-18.

Allele frequency attached by ClinVar (database versions not stated): ExAC 0.00013; gnomAD exomes 0.00015 and 0.00018; ESP Exome Variant Server 0.00023; TOPMed 0.00024; gnomAD 0.00027 and 0.00028; 1000 Genomes Project 30x 0.00047; 1000 Genomes Project 0.00060.
gnomAD v4.1: 281 of 1,613,364 alleles (0.017%); highest among the groups gnomAD compares: Middle Eastern, 0.18%; 1 homozygote.

Submissions (4):

Labcorp Genetics (formerly Invitae), Labcorp
Classification: Likely benign. Last evaluated: 2026-01-18. Review status: criteria provided, single submitter. Criteria: Invitae Variant Classification Sherloc (09022015). Collection method: clinical testing. Allele origin: germline.

Blueprint Genetics
Classification: Likely benign. Last evaluated: 2024-11-26. Review status: criteria provided, single submitter. Criteria: ACMG Guidelines, 2015. Collection method: clinical testing. Allele origin: germline.

CeGaT Center for Human Genetics Tuebingen
Classification: Likely benign. Last evaluated: 2022-07-01. Review status: criteria provided, single submitter. Criteria: CeGaT Center For Human Genetics Tuebingen Variant Classification Criteria Version 2. Collection method: clinical testing. Allele origin: germline. Affected: yes. Observed: 1 variant allele.
Comment: LRRC8A: BP4, BP7

Breakthrough Genomics
Classification: Likely benign. Review status: criteria provided, single submitter. Criteria: ACMG Guidelines, 2015. Collection method: not provided. Allele origin: germline. Inheritance: Autosomal dominant inheritance. Affected: yes.